The following is an entry in ClinVar:

ClinVar aggregate classification (germline): Uncertain significance (0 of 4 stars; one submission).

Conditions:
EP300-related disorder. Also called: EP300-related condition; EP300-related disorders.

Submission:

PreventionGenetics, part of Exact Sciences
Classification: Uncertain significance for EP300-related condition. Last evaluated: 2023-11-15. Review status: no assertion criteria provided. Collection method: clinical testing. Allele origin: germline.
Comment: The EP300 c.6492G>C variant is predicted to result in the amino acid substitution p.Gln2164His. To our knowledge, this variant has not been reported in the literature or in a large population database, indicating this variant is rare. At this time, the clinical significance of this variant is uncertain due to the absence of conclusive functional and genetic evidence.

NM_001429.4(EP300):c.6492G>C (p.Gln2164His)

Gene: EP300 (E1A binding protein p300; plus strand). Cytogenetic location: 22q13.2.
Variant type: single nucleotide variant.
Coding change: c.6492G>C on transcript NM_001429.4 (MANE Select); coding-DNA position 6492, G replaced by C.
Protein change: p.Gln2164His; replaces glutamine 2164 with histidine.
Molecular consequence: missense variant.
Genome position (GRCh38, 1-based): chr22:41,178,203, G>C. VCF-style: chr22-41178203-G-C. GRCh37 (hg19) VCF-style: chr22-41574207-G-C.
Other names: c.6414G>C, p.Gln2138His (NM_001362843.2); short protein forms Q2138H, Q2164H.
Identifiers: ClinVar variation 3349923 (VCV003349923.1).